The following is an entry in ClinVar:

NM_001298.3(CNGA3):c.1395_1412del (p.Lys465_Ile470del)

Gene: CNGA3 (cyclic nucleotide gated channel subunit alpha 3; plus strand). Cytogenetic location: 2q11.2.
Variant type: Deletion.
Coding change: c.1395_1412del on transcript NM_001298.3 (MANE Select); coding-DNA positions 1395 to 1412, 18 bases deleted (GGCTGAGATCGCCATCAA).
Protein change: p.Lys465_Ile470del.
Molecular consequence: inframe deletion.
Genome position (GRCh38, 1-based): chr2:98,396,565-98,396,582, GGCTGAGATCGCCATCAA deleted; deleting any 18 consecutive bases within chr2:98,396,563-98,396,582 gives the same sequence; the c. name uses the placement nearest the transcript's 3' end. VCF-style (leftmost placement, unchanged base first): chr2-98396562-GAAGGCTGAGATCGCCATC-G. GRCh37 (hg19) VCF-style: chr2-99013025-GAAGGCTGAGATCGCCATC-G.
Other names: c.1341_1358del, p.Lys447_Ile452del (NM_001079878.2).
Identifiers: ClinVar variation 853892 (VCV000853892.11), dbSNP rs1692921014, ClinGen allele CA916082550.

ClinVar aggregate classification (germline): Pathogenic. Review status: criteria provided, single submitter (1 of 4 stars). 2 submissions from 2 submitters: Pathogenic (1). 1 of the submissions does not count toward it. Last evaluated 2022-02-01.

Conditions:
Achromatopsia 2 (ACHM2). Also called: ROD MONOCHROMACY 2; ROD MONOCHROMATISM 2; COLORBLINDNESS, TOTAL. Identifiers: Orphanet 49382, MedGen C1857618, MONDO:0009003, OMIM 216900.

Submissions (2):

Labcorp Genetics (formerly Invitae), Labcorp
Classification: Pathogenic. Last evaluated: 2022-02-01. Review status: criteria provided, single submitter. Criteria: Invitae Variant Classification Sherloc (09022015). Collection method: clinical testing. Allele origin: germline.
Comment: This variant, c.1395_1412del, results in the deletion of 6 amino acid(s) of the CNGA3 protein (p.Lys465_Ile470del), but otherwise preserves the integrity of the reading frame. This variant is not present in population databases (gnomAD no frequency). This variant has not been reported in the literature in individuals affected with CNGA3-related conditions. ClinVar contains an entry for this variant (Variation ID: 853892). This variant disrupts a region of the CNGA3 protein in which other variant(s) (p.Ala469Thr) have been determined to be pathogenic (PMID: 18521937, 28041643). This suggests that this is a clinically significant region of the protein, and that variants that disrupt it are likely to be disease-causing. For these reasons, this variant has been classified as Pathogenic.

Molecular Genetics Laboratory, Institute for Ophthalmic Research
Classification: Likely pathogenic for Achromatopsia 2. Last evaluated: 2021-04-15. Review status: no assertion criteria provided. Collection method: research. Allele origin: germline. Affected: yes. Not counted in ClinVar's aggregate classification.

Literature cited by the submitters: PubMed 18521937 (cited by Labcorp Genetics (formerly Invitae), Labcorp); PubMed 28041643 (cited by Labcorp Genetics (formerly Invitae), Labcorp).